The following is an entry in ClinVar:

NM_172201.2(KCNE2):c.308T>G (p.Leu103Arg)

Genes: KCNE2 (potassium voltage-gated channel subfamily E regulatory subunit 2; plus strand), LOC105372791 (uncharacterized LOC105372791; minus strand). Cytogenetic location: 21q22.11.
Variant type: single nucleotide variant.
Coding change: c.308T>G on transcript NM_172201.2 (MANE Select); coding-DNA position 308, T replaced by G.
Protein change: p.Leu103Arg; replaces leucine 103 with arginine.
Molecular consequence: missense variant. On other transcripts: non-coding transcript variant (2).
Genome position (GRCh38, 1-based): chr21:34,370,786, T>G. VCF-style: chr21-34370786-T-G. GRCh37 (hg19) VCF-style: chr21-35743085-T-G.
Other names: short protein forms L103R.
Identifiers: ClinVar variation 3602409 (VCV003602409.1).

ClinVar aggregate classification (germline): Uncertain significance (1 of 4 stars; one submission).

Submission:

GeneDx
Classification: Uncertain significance. Last evaluated: 2024-07-29. Review status: criteria provided, single submitter. Criteria: GeneDx Variant Classification Process June 2021. Collection method: clinical testing. Allele origin: germline. Affected: yes.
Comment: Has not been previously published as pathogenic or benign to our knowledge; Not observed at significant frequency in large population cohorts (gnomAD); In silico analysis indicates that this missense variant does not alter protein structure/function